The following is an entry in ClinVar:

ClinVar aggregate classification (germline): Benign. Review status: criteria provided, multiple submitters, no conflicts (2 of 4 stars). 2 submissions from 2 submitters: Benign (2). Last evaluated 2018-01-12.

Conditions:
Galactosylceramide beta-galactosidase deficiency. Also called: GALACTOCEREBROSIDASE DEFICIENCY; GALC DEFICIENCY; GLOBOID CELL LEUKOENCEPHALOPATHY; Leukodystrophy, Globoid Cell; Krabbe Disease. Identifiers: Orphanet 487, MedGen C0023521, MONDO:0009499, OMIM 245200.

Allele frequency attached by ClinVar (database versions not stated): gnomAD 0.45032 and 0.45982; TOPMed 0.45644; 1000 Genomes Project 30x 0.48392; 1000 Genomes Project 0.48882; gnomAD exomes 0.49503.
gnomAD v4.1: 70,195 of 152,476 alleles (46%); highest among the groups gnomAD compares: East Asian, 75%; 17,819 homozygotes.

Submissions (2):

Illumina Laboratory Services, Illumina
Classification: Benign for Galactosylceramide beta-galactosidase deficiency. Last evaluated: 2018-01-12. Review status: criteria provided, single submitter. Criteria: ICSL Variant Classification Criteria 13 December 2019. Collection method: clinical testing. Allele origin: germline.
Comment: This variant was observed in the ICSL laboratory as part of a predisposition screen in an ostensibly healthy population. It had not been previously curated by ICSL or reported in the Human Gene Mutation Database (HGMD: prior to June 1st, 2018), and was therefore a candidate for classification through an automated scoring system. Utilizing variant allele frequency, disease prevalence and penetrance estimates, and inheritance mode, an automated score was calculated to assess if this variant is too frequent to cause the disease. Based on the score and internal cut-off values, a variant classified as benign is not then subjected to further curation. The score for this variant resulted in a classification of benign for this disease.

Breakthrough Genomics
Classification: Benign. Review status: criteria provided, single submitter. Criteria: ACMG Guidelines, 2015. Collection method: not provided. Allele origin: germline. Inheritance: Autosomal recessive inheritance. Affected: yes.

NM_000153.4(GALC):c.*1275G>A

Gene: GALC (galactosylceramidase; minus strand). Cytogenetic location: 14q31.3.
Variant type: single nucleotide variant.
Coding change: c.*1275G>A on transcript NM_000153.4 (MANE Select); 1275 bases downstream of the stop codon, G replaced by A.
Molecular consequence: 3 prime UTR variant.
Genome position (GRCh38, 1-based): chr14:87,933,457, C>T on the plus strand (G>A on the coding strand, the complement: GALC is on the minus strand). VCF-style: chr14-87933457-C-T. GRCh37 (hg19) VCF-style: chr14-88399801-C-T.
Other names: c.*1275G>A (NM_001201401.2, NM_001201402.2).
Identifiers: ClinVar variation 314731 (VCV000314731.6), dbSNP rs1042042, ClinGen allele CA10645174.